The following is an entry in ClinVar:

ClinVar aggregate classification (germline): Uncertain significance. Review status: criteria provided, single submitter (1 of 4 stars). 2 submissions from 2 submitters: Uncertain significance (1). 1 of the submissions does not count toward it. Last evaluated 2021-10-08.

Conditions:
CACNA1F-related disorder. Also called: CACNA1F-related condition.

Allele frequency attached by ClinVar (database versions not stated): ExAC 0.00001; gnomAD exomes 0.00001.

Submissions (2):

Labcorp Genetics (formerly Invitae), Labcorp
Classification: Uncertain significance. Last evaluated: 2021-10-08. Review status: criteria provided, single submitter. Criteria: Invitae Variant Classification Sherloc (09022015). Collection method: clinical testing. Allele origin: germline.
Comment: In summary, the available evidence is currently insufficient to determine the role of this variant in disease. Therefore, it has been classified as a Variant of Uncertain Significance. Algorithms developed to predict the effect of missense changes on protein structure and function are either unavailable or do not agree on the potential impact of this missense change (SIFT: "Deleterious"; PolyPhen-2: "Probably Damaging"; Align-GVGD: "Class C0"). This variant has not been reported in the literature in individuals affected with CACNA1F-related conditions. This variant is present in population databases (rs782109538, ExAC 0.01%). This sequence change replaces leucine with phenylalanine at codon 741 of the CACNA1F protein (p.Leu741Phe). The leucine residue is highly conserved and there is a small physicochemical difference between leucine and phenylalanine.

PreventionGenetics, part of Exact Sciences
Classification: Uncertain significance for CACNA1F-related condition. Last evaluated: 2024-02-22. Review status: no assertion criteria provided. Collection method: clinical testing. Allele origin: germline. Not counted in ClinVar's aggregate classification.
Comment: The CACNA1F c.2221C>T variant is predicted to result in the amino acid substitution p.Leu741Phe. To our knowledge, this variant has not been reported in the literature. This variant is reported in 0.0053% of alleles in individuals of South Asian descent in gnomAD. At this time, the clinical significance of this variant is uncertain due to the absence of conclusive functional and genetic evidence.

NM_001256789.3(CACNA1F):c.2188C>T (p.Leu730Phe)

Gene: CACNA1F (calcium voltage-gated channel subunit alpha1 F; minus strand). Cytogenetic location: Xp11.23.
Variant type: single nucleotide variant.
Coding change: c.2188C>T on transcript NM_001256789.3 (MANE Select); coding-DNA position 2188, C replaced by T.
Protein change: p.Leu730Phe; replaces leucine 730 with phenylalanine.
Molecular consequence: missense variant.
Genome position (GRCh38, 1-based): chrX:49,222,736, G>A on the plus strand (C>T on the coding strand, the complement: CACNA1F is on the minus strand). VCF-style: chrX-49222736-G-A. GRCh37 (hg19) VCF-style: chrX-49079195-G-A.
Other names: c.2221C>T (NM_005183.3); c.2026C>T, p.Leu676Phe (NM_001256790.3); c.2221C>T, p.Leu741Phe (NM_005183.4); short protein forms L676F, L730F, L741F.
Identifiers: ClinVar variation 1497644 (VCV001497644.8), dbSNP rs782109538, ClinGen allele CA10410737.
Genomic context (GRCh38, chrX:49,222,736, plus strand): 5'-CCGACTCCACCATCATCCAGCCCCACAAAGCTCCAAGGATACAGTTGCCACAGATGAAGA[G>A]AATGATGAAATAGATGCACACCAACATTCCTGGGAAGAAGGGGCCACCATATGCCATGAT-3'
Protein context (NP_001243718.1, residues 720-740): GMLVCIYFII[Leu730Phe]FICGNYILLN